The following is an entry in ClinVar:

NM_005148.4(UNC119):c.469A>C (p.Asn157His)

Gene: UNC119 (unc-119 lipid binding chaperone; minus strand). Cytogenetic location: 17q11.2.
Variant type: single nucleotide variant.
Coding change: c.469A>C on transcript NM_005148.4 (MANE Select); coding-DNA position 469, A replaced by C.
Protein change: p.Asn157His; replaces asparagine 157 with histidine.
Molecular consequence: missense variant.
Genome position (GRCh38, 1-based): chr17:28,547,818, T>G on the plus strand (A>C on the coding strand, the complement: UNC119 is on the minus strand). VCF-style: chr17-28547818-T-G. GRCh37 (hg19) VCF-style: chr17-26874836-T-G.
Other names: c.184A>C, p.Asn62His (NM_001330166.2); c.469A>C, p.Asn157His (NM_054035.2); short protein forms N157H, N62H.
Identifiers: ClinVar variation 1388090 (VCV001388090.6), dbSNP rs1333185868, ClinGen allele CA398330857.
Genomic context (GRCh38, chr17:28,547,818, plus strand): 5'-AGTCGAAGCTTTTGAGTAGCTGGTTGCGGAAGTAGTGCCTCTCGATCATGCGGAAGTTGT[T>G]GACAGGCTTGTCTCCCACTGTGAACTCCACCCTGAGCAAGAAAAGGAGGCAGGGCTAAGT-3'
Protein context (NP_005139.1, residues 147-167): VEFTVGDKPV[Asn157His]NFRMIERHYF

ClinVar aggregate classification (germline): Uncertain significance (1 of 4 stars; one submission).

Submission:

Labcorp Genetics (formerly Invitae), Labcorp
Classification: Uncertain significance. Last evaluated: 2022-03-09. Review status: criteria provided, single submitter. Criteria: Invitae Variant Classification Sherloc (09022015). Collection method: clinical testing. Allele origin: germline.
Comment: In summary, the available evidence is currently insufficient to determine the role of this variant in disease. Therefore, it has been classified as a Variant of Uncertain Significance. Algorithms developed to predict the effect of missense changes on protein structure and function are either unavailable or do not agree on the potential impact of this missense change (SIFT: "Not Available"; PolyPhen-2: "Probably Damaging"; Align-GVGD: "Not Available"). This variant has not been reported in the literature in individuals affected with UNC119-related conditions. This variant is not present in population databases (gnomAD no frequency). This sequence change replaces asparagine, which is neutral and polar, with histidine, which is basic and polar, at codon 157 of the UNC119 protein (p.Asn157His).